The following is an entry in ClinVar:

NM_175053.4(KRT74):c.29G>A (p.Ser10Asn)

Gene: KRT74 (keratin 74; minus strand). Cytogenetic location: 12q13.13.
Variant type: single nucleotide variant.
Coding change: c.29G>A on transcript NM_175053.4 (MANE Select); coding-DNA position 29, G replaced by A.
Protein change: p.Ser10Asn; replaces serine 10 with asparagine.
Molecular consequence: missense variant.
Genome position (GRCh38, 1-based): chr12:52,573,749, C>T on the plus strand (G>A on the coding strand, the complement: KRT74 is on the minus strand). VCF-style: chr12-52573749-C-T. GRCh37 (hg19) VCF-style: chr12-52967533-C-T.
Other names: short protein forms S10N.
Identifiers: ClinVar variation 2957412 (VCV002957412.3), dbSNP rs936871523, ClinGen allele CA237266784.

ClinVar aggregate classification (germline): Uncertain significance (1 of 4 stars; one submission).

Submission:

Labcorp Genetics (formerly Invitae), Labcorp
Classification: Uncertain significance. Last evaluated: 2023-12-14. Review status: criteria provided, single submitter. Criteria: Invitae Variant Classification Sherloc (09022015). Collection method: clinical testing. Allele origin: germline.
Comment: This sequence change replaces serine, which is neutral and polar, with asparagine, which is neutral and polar, at codon 10 of the KRT74 protein (p.Ser10Asn). This variant is not present in population databases (gnomAD no frequency). This variant has not been reported in the literature in individuals affected with KRT74-related conditions. An algorithm developed to predict the effect of missense changes on protein structure and function (PolyPhen-2) suggests that this variant is likely to be tolerated. In summary, the available evidence is currently insufficient to determine the role of this variant in disease. Therefore, it has been classified as a Variant of Uncertain Significance.